The following is an entry in ClinVar:

ClinVar aggregate classification (germline): Uncertain significance (1 of 4 stars; one submission).

Conditions:
Atrial standstill 1 (ATRST1). Also called: Atrial standstill, digenic (GJA5/SCN5A); ATRIAL CARDIOMYOPATHY WITH HEART BLOCK; CARDIOMYOPATHY, FAMILIAL, WITH CONDUCTION DISTURBANCE. Identifiers: Orphanet 1344, MedGen C4551959, MONDO:0007171, OMIM 108770.
Atrial fibrillation, familial, 11 (ATFB11). Identifiers: MedGen C3279693, MONDO:0013544, OMIM 614049.

Allele frequency attached by ClinVar (database versions not stated): gnomAD exomes below 0.00001.
gnomAD v4.1: 2 of 1,614,208 alleles (0.00012%); highest among the groups gnomAD compares: Non-Finnish European, 0.00017%; no homozygotes.

Submission:

Labcorp Genetics (formerly Invitae), Labcorp
Classification: Uncertain significance for Atrial fibrillation, familial, 11; Atrial standstill 1. Last evaluated: 2020-08-26. Review status: criteria provided, single submitter. Criteria: Invitae Variant Classification Sherloc (09022015). Collection method: clinical testing. Allele origin: germline.
Comment: This sequence change replaces methionine with threonine at codon 93 of the GJA5 protein (p.Met93Thr). The methionine residue is highly conserved and there is a moderate physicochemical difference between methionine and threonine. This variant is not present in population databases (ExAC no frequency). This variant has not been reported in the literature in individuals with GJA5-related conditions. Algorithms developed to predict the effect of missense changes on protein structure and function are either unavailable or do not agree on the potential impact of this missense change (SIFT: "Not Available"; PolyPhen-2: "Benign"; Align-GVGD: "Not Available"). In summary, the available evidence is currently insufficient to determine the role of this variant in disease. Therefore, it has been classified as a Variant of Uncertain Significance.

NM_181703.4(GJA5):c.278T>C (p.Met93Thr)

Gene: GJA5 (gap junction protein alpha 5; minus strand). Cytogenetic location: 1q21.2.
Variant type: single nucleotide variant.
Coding change: c.278T>C on transcript NM_181703.4 (MANE Select); coding-DNA position 278, T replaced by C.
Protein change: p.Met93Thr; replaces methionine 93 with threonine.
Molecular consequence: missense variant.
Genome position (GRCh38, 1-based): chr1:147,758,961, A>G on the plus strand (T>C on the coding strand, the complement: GJA5 is on the minus strand). VCF-style: chr1-147758961-A-G. GRCh37 (hg19) VCF-style: chr1-147231069-A-G.
Other names: c.278T>C, p.Met93Thr (NM_005266.7); short protein forms M93T.
Identifiers: ClinVar variation 1038988 (VCV001038988.7), dbSNP rs1663872343, ClinGen allele CA342397301.